The following is an entry in ClinVar:

NM_000540.3(RYR1):c.735C>G (p.Tyr245Ter)

Gene: RYR1 (ryanodine receptor 1; plus strand). Cytogenetic location: 19q13.2.
Variant type: single nucleotide variant.
Coding change: c.735C>G on transcript NM_000540.3 (MANE Select); coding-DNA position 735, C replaced by G.
Protein change: p.Tyr245Ter; replaces tyrosine 245 with a stop codon.
Molecular consequence: nonsense.
Genome position (GRCh38, 1-based): chr19:38,446,703, C>G. VCF-style: chr19-38446703-C-G. GRCh37 (hg19) VCF-style: chr19-38937343-C-G.
Other names: c.735C>G, p.Tyr245Ter (NM_001042723.2); short protein forms Y245*.
Identifiers: ClinVar variation 2890992 (VCV002890992.3), dbSNP rs2513987722, ClinGen allele CA405680148.

ClinVar aggregate classification (germline): Pathogenic (1 of 4 stars; one submission).

Conditions:
RYR1-related disorder. Also called: RYR1-related condition; RYR1-related disorders. Identifiers: MedGen CN239331.

Submission:

Labcorp Genetics (formerly Invitae), Labcorp
Classification: Pathogenic for RYR1-related disorder. Last evaluated: 2023-10-17. Review status: criteria provided, single submitter. Criteria: Invitae Variant Classification Sherloc (09022015). Collection method: clinical testing. Allele origin: germline.
Comment: This sequence change creates a premature translational stop signal (p.Tyr245*) in the RYR1 gene. It is expected to result in an absent or disrupted protein product. Loss-of-function variants in RYR1 are known to be pathogenic (PMID: 23919265, 25960145, 28818389, 30611313). This variant is not present in population databases (gnomAD no frequency). This variant has not been reported in the literature in individuals affected with RYR1-related conditions. For these reasons, this variant has been classified as Pathogenic.

Literature cited by the submitters: PubMed 23919265; PubMed 25960145; PubMed 28818389; PubMed 30611313.